The following is an entry in ClinVar:

NM_004341.5(CAD):c.1069G>C (p.Val357Leu)

Gene: CAD (carbamoyl-phosphate synthetase 2, aspartate transcarbamylase, and dihydroorotase; plus strand). Cytogenetic location: 2p23.3.
Variant type: single nucleotide variant.
Coding change: c.1069G>C on transcript NM_004341.5 (MANE Select); coding-DNA position 1069, G replaced by C.
Protein change: p.Val357Leu; replaces valine 357 with leucine.
Molecular consequence: missense variant.
Genome position (GRCh38, 1-based): chr2:27,223,990, G>C. VCF-style: chr2-27223990-G-C. GRCh37 (hg19) VCF-style: chr2-27446858-G-C.
Other names: c.1069G>C, p.Val357Leu (NM_001306079.2); short protein forms V357L.
Identifiers: ClinVar variation 1469580 (VCV001469580.3), dbSNP rs770710717, ClinGen allele CA1572597.

ClinVar aggregate classification (germline): Uncertain significance (1 of 4 stars; one submission).

Allele frequency attached by ClinVar (database versions not stated): gnomAD exomes below 0.00001; ExAC 0.00001.
gnomAD v4.1: 4 of 1,614,036 alleles (0.00025%); highest among the groups gnomAD compares: Non-Finnish European, 0.00025%; no homozygotes.

Submission:

Labcorp Genetics (formerly Invitae), Labcorp
Classification: Uncertain significance. Last evaluated: 2021-10-09. Review status: criteria provided, single submitter. Criteria: Invitae Variant Classification Sherloc (09022015). Collection method: clinical testing. Allele origin: germline.
Comment: This sequence change replaces valine with leucine at codon 357 of the CAD protein (p.Val357Leu). The valine residue is moderately conserved and there is a small physicochemical difference between valine and leucine. This variant is present in population databases (rs770710717, ExAC 0.001%). This variant has not been reported in the literature in individuals affected with CAD-related conditions. Algorithms developed to predict the effect of missense changes on protein structure and function are either unavailable or do not agree on the potential impact of this missense change (SIFT: "Deleterious"; PolyPhen-2: "Benign"; Align-GVGD: "Class C0"). In summary, the available evidence is currently insufficient to determine the role of this variant in disease. Therefore, it has been classified as a Variant of Uncertain Significance.